The following is an entry in ClinVar:

NM_021076.4(NEFH):c.663G>A (p.Gln221=)

Gene: NEFH (neurofilament heavy chain; plus strand). Cytogenetic location: 22q12.2.
Variant type: single nucleotide variant.
Coding change: c.663G>A on transcript NM_021076.4 (MANE Select); coding-DNA position 663, G replaced by A.
Protein change: p.Gln221=; no amino-acid change (glutamine 221 retained).
Molecular consequence: synonymous variant.
Genome position (GRCh38, 1-based): chr22:29,480,925, G>A. VCF-style: chr22-29480925-G-A. GRCh37 (hg19) VCF-style: chr22-29876914-G-A.
Other names: c.663G>A (NM_021076.3).
Identifiers: ClinVar variation 1541261 (VCV001541261.9), dbSNP rs930326229, ClinGen allele CA323083067.

ClinVar aggregate classification (germline): Likely benign. Review status: criteria provided, multiple submitters, no conflicts (2 of 4 stars). 2 submissions from 2 submitters: Likely benign (2). Last evaluated 2025-10-06.

Conditions:
NEFH-related disorder. Also called: NEFH-related condition.

Allele frequency attached by ClinVar (database versions not stated): gnomAD exomes below 0.00001; gnomAD 0.00001; TOPMed 0.00001.
gnomAD v4.1: 6 of 1,519,340 alleles (0.00039%); highest among the groups gnomAD compares: African/African-American, 0.0085%; no homozygotes.

Submissions (2):

PreventionGenetics, part of Exact Sciences
Classification: Likely benign for NEFH-related condition. Last evaluated: 2025-10-06. Review status: criteria provided, single submitter. Criteria: ACMG Guidelines, 2015. Collection method: clinical testing. Allele origin: germline.
Comment: This variant is classified as likely benign based on ACMG/AMP sequence variant interpretation guidelines (Richards et al. 2015 PMID: 25741868, with internal and published modifications).

Labcorp Genetics (formerly Invitae), Labcorp
Classification: Likely benign. Last evaluated: 2023-06-19. Review status: criteria provided, single submitter. Criteria: Invitae Variant Classification Sherloc (09022015). Collection method: clinical testing. Allele origin: germline.